The following is an entry in ClinVar:

NM_025103.4(IFT74):c.402G>C (p.Lys134Asn)

Gene: IFT74 (intraflagellar transport 74; plus strand). Cytogenetic location: 9p21.2.
Variant type: single nucleotide variant.
Coding change: c.402G>C on transcript NM_025103.4 (MANE Select); coding-DNA position 402, G replaced by C.
Protein change: p.Lys134Asn; replaces lysine 134 with asparagine.
Molecular consequence: missense variant.
Genome position (GRCh38, 1-based): chr9:26,984,353, G>C. VCF-style: chr9-26984353-G-C. GRCh37 (hg19) VCF-style: chr9-26984351-G-C.
Other names: c.402G>C, p.Lys134Asn (NM_001099222.3, NM_001099223.3, NM_001099224.3 and 1 more transcripts); c.402G>C (NM_025103.2); short protein forms K134N.
Identifiers: ClinVar variation 2021964 (VCV002021964.4), dbSNP rs750455621, ClinGen allele CA5014936.

ClinVar aggregate classification (germline): Uncertain significance. Review status: criteria provided, multiple submitters, no conflicts (2 of 4 stars). 2 submissions from 2 submitters: Uncertain significance (2). Last evaluated 2026-08-26.

Conditions:
IFT74-related disorder. Also called: IFT74-related condition; IFT74-Related Disorders.

Allele frequency attached by ClinVar (database versions not stated): ExAC 0.00001; gnomAD 0.00001.
gnomAD v4.1: 5 of 1,584,630 alleles (0.00032%); highest among the groups gnomAD compares: Non-Finnish European, 0.00043%; no homozygotes.

Submissions (2):

PreventionGenetics, part of Exact Sciences
Classification: Uncertain significance for IFT74-related condition. Last evaluated: 2026-08-26. Review status: criteria provided, single submitter. Criteria: ACMG Guidelines, 2015. Collection method: clinical testing. Allele origin: germline.
Comment: The IFT74 c.402G>C variant is predicted to result in the amino acid substitution p.Lys134Asn. To our knowledge, this variant has not been reported in the literature. This variant is reported in 0.00092% of alleles in individuals of European (Non-Finnish) descent in gnomAD. At this time, the clinical significance of this variant is uncertain due to the absence of conclusive functional and genetic evidence.

Labcorp Genetics (formerly Invitae), Labcorp
Classification: Uncertain significance. Last evaluated: 2024-02-24. Review status: criteria provided, single submitter. Criteria: Invitae Variant Classification Sherloc (09022015). Collection method: clinical testing. Allele origin: germline.
Comment: This sequence change replaces lysine, which is basic and polar, with asparagine, which is neutral and polar, at codon 134 of the IFT74 protein (p.Lys134Asn). This variant is not present in population databases (gnomAD no frequency). This variant has not been reported in the literature in individuals affected with IFT74-related conditions. ClinVar contains an entry for this variant (Variation ID: 2021964). An algorithm developed to predict the effect of missense changes on protein structure and function (PolyPhen-2) suggests that this variant is likely to be disruptive. In summary, the available evidence is currently insufficient to determine the role of this variant in disease. Therefore, it has been classified as a Variant of Uncertain Significance.